The following is an entry in ClinVar:

NM_001852.4(COL9A2):c.1380C>T (p.Gly460=)

Gene: COL9A2 (collagen type IX alpha 2 chain; minus strand). Cytogenetic location: 1p34.2.
Variant type: single nucleotide variant.
Coding change: c.1380C>T on transcript NM_001852.4 (MANE Select); coding-DNA position 1380, C replaced by T.
Protein change: p.Gly460=; no amino-acid change (glycine 460 retained).
Molecular consequence: synonymous variant.
Genome position (GRCh38, 1-based): chr1:40,303,828, G>A on the plus strand (C>T on the coding strand, the complement: COL9A2 is on the minus strand). VCF-style: chr1-40303828-G-A. GRCh37 (hg19) VCF-style: chr1-40769500-G-A.
Other names: c.1380C>T (NM_001852.3).
Identifiers: ClinVar variation 1929647 (VCV001929647.31), dbSNP rs747251984, ClinGen allele CA791457.

ClinVar aggregate classification (germline): Conflicting classifications of pathogenicity. Review status: criteria provided, conflicting classifications (1 of 4 stars). 4 submissions from 4 submitters: Uncertain significance (1); Likely benign (3). Last evaluated 2026-03-03.

Conditions:
COL9A2-related disorder. Also called: COL9A2-related condition.

Allele frequency attached by ClinVar (database versions not stated): TOPMed 0.00005; ExAC 0.00006.
gnomAD v4.1: 39 of 1,560,178 alleles (0.0025%); highest among the groups gnomAD compares: East Asian, 0.052%; no homozygotes.

Submissions (4):

PreventionGenetics, part of Exact Sciences
Classification: Likely benign for COL9A2-related condition. Last evaluated: 2026-03-03. Review status: criteria provided, single submitter. Criteria: ACMG Guidelines, 2015. Collection method: clinical testing. Allele origin: germline.
Comment: This variant is classified as likely benign based on ACMG/AMP sequence variant interpretation guidelines (Richards et al. 2015 PMID: 25741868, with internal and published modifications).

Labcorp Genetics (formerly Invitae), Labcorp
Classification: Likely benign. Last evaluated: 2024-11-07. Review status: criteria provided, single submitter. Criteria: Invitae Variant Classification Sherloc (09022015). Collection method: clinical testing. Allele origin: germline.

Blueprint Genetics
Classification: Uncertain significance. Last evaluated: 2024-05-22. Review status: criteria provided, single submitter. Criteria: ACMG Guidelines, 2015. Collection method: clinical testing. Allele origin: germline.

CeGaT Center for Human Genetics Tuebingen
Classification: Likely benign. Last evaluated: 2022-10-01. Review status: criteria provided, single submitter. Criteria: CeGaT Center For Human Genetics Tuebingen Variant Classification Criteria Version 2. Collection method: clinical testing. Allele origin: germline. Affected: yes. Observed: 1 variant allele.
Comment: COL9A2: BP4, BP7